The following is an entry in ClinVar:

NM_000540.3(RYR1):c.8310+5_8310+6insGC

Gene: RYR1 (ryanodine receptor 1; plus strand). Cytogenetic location: 19q13.2.
Variant type: Insertion.
Coding change: c.8310+5_8310+6insGC on transcript NM_000540.3 (MANE Select); bases 5 to 6 of the intron after coding-DNA position 8310, GC inserted.
Molecular consequence: intron variant.
Genome position: GRCh38 VCF-style: chr19-38505086-G-GGC. GRCh37 (hg19) VCF-style: chr19-38995726-G-GGC.
Other names: c.8310+5_8310+6insGC (NM_001042723.2).
Identifiers: ClinVar variation 4744993 (VCV004744993.1).

ClinVar aggregate classification (germline): Uncertain significance (1 of 4 stars; one submission).

Conditions:
RYR1-related disorder. Also called: RYR1-related condition; RYR1-related disorders. Identifiers: MedGen CN239331.

Submission:

Labcorp Genetics (formerly Invitae), Labcorp
Classification: Uncertain significance for RYR1-related disorder. Last evaluated: 2025-09-28. Review status: criteria provided, single submitter. Criteria: Invitae Variant Classification Sherloc (09022015). Collection method: clinical testing. Allele origin: germline.
Comment: This sequence change falls in intron 52 of the RYR1 gene. It does not directly change the encoded amino acid sequence of the RYR1 protein. It affects a nucleotide within the consensus splice site. This variant is present in population databases (rs753812714, gnomAD 0.006%). This variant has not been reported in the literature in individuals affected with RYR1-related conditions. Variants that disrupt the consensus splice site are a relatively common cause of aberrant splicing (PMID: 17576681, 9536098). Algorithms developed to predict the effect of sequence changes on RNA splicing suggest that this variant is not likely to affect RNA splicing. In summary, the available evidence is currently insufficient to determine the role of this variant in disease. Therefore, it has been classified as a Variant of Uncertain Significance.

Literature cited by the submitters: PubMed 17576681; PubMed 9536098.